The following is an entry in ClinVar:

NC_000001.10:g.(?_156837886)_(156843392_?)dup

Gene: NTRK1 (neurotrophic receptor tyrosine kinase 1; plus strand). Cytogenetic location: 1q23.1.
Variant type: Duplication.
Identifiers: ClinVar variation 1501130 (VCV001501130.4).

ClinVar aggregate classification (germline): Likely pathogenic (1 of 4 stars; one submission).

Conditions:
Hereditary insensitivity to pain with anhidrosis (CIPA). Also called: NTRK1 Congenital Insensitivity to Pain with Anhidrosis; FAMILIAL DYSAUTONOMIA, TYPE II; hereditary sensory and autonomic neuropathy type 4; INSENSITIVITY TO PAIN, CONGENITAL, WITH ANHIDROSIS; NEUROPATHY, CONGENITAL SENSORY, WITH ANHIDROSIS; HSAN Type IV. Identifiers: Orphanet 642, MedGen C0020074, MONDO:0009746, OMIM 256800.

Submission:

Labcorp Genetics (formerly Invitae), Labcorp
Classification: Likely pathogenic for Hereditary insensitivity to pain with anhidrosis. Last evaluated: 2021-06-23. Review status: criteria provided, single submitter. Criteria: Invitae Variant Classification Sherloc (09022015). Collection method: clinical testing. Allele origin: germline.
Comment: This variant results in a copy number gain of the genomic region encompassing exon(s) 5-7 of the NTRK1 gene. While the exact position of this variant cannot be determined from the data, sub-genic copy number gains are generally in tandem (PMID: 25640679). This variant is predicted to be out-of-frame, and may result in an absent or disrupted protein product. Loss-of-function variants in NTRK1 are known to be pathogenic (PMID: 10982191). This variant has not been reported in the literature in individuals affected with NTRK1-related conditions. In summary, the currently available evidence indicates that the variant is pathogenic, but additional data are needed to prove that conclusively. Therefore, this variant has been classified as Likely Pathogenic.

Literature cited by the submitters: PubMed 25640679; PubMed 10982191.